The following is an entry in ClinVar:

NM_000944.5(PPP3CA):c.524ATG[3] (p.Asp176dup)

Gene: PPP3CA (protein phosphatase 3 catalytic subunit alpha; minus strand). Cytogenetic location: 4q24.
Variant type: Microsatellite.
Coding change: c.524ATG[3] on transcript NM_000944.5 (MANE Select); three copies in a row of the 3-base unit ATG starting at c.524; the reference has two copies in a row; one copy, 3 bases duplicated.
Protein change: p.Asp176dup; duplicates aspartic acid 176.
Molecular consequence: inframe insertion.
Genome position (GRCh38, 1-based): chr4:101,098,480-101,098,482, CAT duplicated on the plus strand (ATG on the coding strand, the reverse complement: PPP3CA is on the minus strand); duplicating any 3 consecutive bases within chr4:101,098,480-101,098,485 gives the same sequence; the position shown is the placement nearest the transcript's 3' end. VCF-style (leftmost placement, unchanged base first): chr4-101098479-G-GCAT. GRCh37 (hg19) VCF-style: chr4-102019636-G-GCAT.
Other names: c.524ATG[3], p.Asp176dup (NM_001130691.2, NM_001130692.2).
Identifiers: ClinVar variation 1484631 (VCV001484631.8), dbSNP rs2110253726, ClinGen allele CA2580616125.
Genomic context (GRCh38, chr4:101,098,479, plus strand): 5'-CACAGGAACTGTTGGTTCATCAGGGCAGCCAGGGGAAGGCAGTCAAAGGCATCCATACAG[G>GCAT]CATCATATACGCGTTCTGAATACTTTATTTTACCTTTTAGAAGTGATTAAAAGAATACTT-3'

ClinVar aggregate classification (germline): Uncertain significance (1 of 4 stars; one submission).

Submission:

Labcorp Genetics (formerly Invitae), Labcorp
Classification: Uncertain significance. Last evaluated: 2021-01-25. Review status: criteria provided, single submitter. Criteria: Invitae Variant Classification Sherloc (09022015). Collection method: clinical testing. Allele origin: germline.
Comment: In summary, the available evidence is currently insufficient to determine the role of this variant in disease. Therefore, it has been classified as a Variant of Uncertain Significance. Experimental studies and prediction algorithms are not available or were not evaluated, and the functional significance of this variant is currently unknown. This variant has not been reported in the literature in individuals with PPP3CA-related conditions. This variant is not present in population databases (ExAC no frequency). This variant, c.527_529dup, results in the insertion of 1 amino acid(s) to the PPP3CA protein (p.Asp176dup), but otherwise preserves the integrity of the reading frame.